The following is an entry in ClinVar:

NM_020631.6(PLEKHG5):c.849C>T (p.Phe283=)

Gene: PLEKHG5 (pleckstrin homology and RhoGEF domain containing G5; minus strand). Cytogenetic location: 1p36.31.
Variant type: single nucleotide variant.
Coding change: c.849C>T on transcript NM_020631.6 (MANE Select); coding-DNA position 849, C replaced by T.
Protein change: p.Phe283=; no amino-acid change (phenylalanine 283 retained).
Molecular consequence: synonymous variant.
Genome position (GRCh38, 1-based): chr1:6,473,121, G>A on the plus strand (C>T on the coding strand, the complement: PLEKHG5 is on the minus strand). VCF-style: chr1-6473121-G-A. GRCh37 (hg19) VCF-style: chr1-6533181-G-A.
Other names: c.849C>T (NM_020631.4); c.960C>T, p.Phe320= (NM_001042663.3, NM_001265592.2); c.849C>T, p.Phe283= (NM_001042664.2, NM_001042665.2, NM_001265594.3 and 1 more transcripts); c.1056C>T, p.Phe352= (NM_001265593.2).
Identifiers: ClinVar variation 1105961 (VCV001105961.10), dbSNP rs750570012, ClinGen allele CA561732.

ClinVar aggregate classification (germline): Likely benign. Review status: criteria provided, multiple submitters, no conflicts (2 of 4 stars). 2 submissions from 2 submitters: Likely benign (2). Last evaluated 2026-04-25.

Conditions:
PLEKHG5-related disorder. Also called: PLEKHG5-related condition.
Neuronopathy, distal hereditary motor, autosomal recessive 4. Also called: Autosomal recessive lower motor neuron disease with childhood onset; NEUROPATHY, DISTAL HEREDITARY MOTOR, AUTOSOMAL RECESSIVE 4. Identifiers: Orphanet 206580, MedGen C1970211, MONDO:0012608, OMIM 611067.
Charcot-Marie-Tooth disease recessive intermediate C. Also called: CHARCOT-MARIE-TOOTH NEUROPATHY, RECESSIVE INTERMEDIATE C. Identifiers: Orphanet 369867, MedGen C3809309, MONDO:0014154, OMIM 615376.

Allele frequency attached by ClinVar (database versions not stated): gnomAD exomes 0.00002 and 0.00005; gnomAD 0.00003; TOPMed 0.00003; ExAC 0.00004.
gnomAD v4.1: 31 of 1,613,854 alleles (0.0019%); highest among the groups gnomAD compares: Admixed American, 0.022%; no homozygotes.

Submissions (2):

PreventionGenetics, part of Exact Sciences
Classification: Likely benign for PLEKHG5-related condition. Last evaluated: 2026-04-25. Review status: criteria provided, single submitter. Criteria: ACMG Guidelines, 2015. Collection method: clinical testing. Allele origin: germline.
Comment: This variant is classified as likely benign based on ACMG/AMP sequence variant interpretation guidelines (Richards et al. 2015 PMID: 25741868, with internal and published modifications).

Labcorp Genetics (formerly Invitae), Labcorp
Classification: Likely benign for Neuronopathy, distal hereditary motor, autosomal recessive 4; Charcot-Marie-Tooth disease recessive intermediate C. Last evaluated: 2025-07-30. Review status: criteria provided, single submitter. Criteria: Invitae Variant Classification Sherloc (09022015). Collection method: clinical testing. Allele origin: germline.